The following is an entry in ClinVar:

ClinVar aggregate classification (germline): Likely pathogenic (1 of 4 stars; one submission).

Conditions:
Renal carnitine transport defect (CDSP). Also called: Carnitine Deficiency, Systemic; Systemic primary carnitine deficiency; Systemic primary carnitine deficiency disease; CARNITINE DEFICIENCY, SYSTEMIC, DUE TO DEFECT IN RENAL REABSORPTION OF CARNITINE; CARNITINE TRANSPORTER, PLASMA-MEMBRANE, DEFICIENCY OF; CARNITINE UPTAKE DEFECT. Identifiers: Orphanet 158, MedGen C0342788, MONDO:0008919, OMIM 212140.

Allele frequency attached by ClinVar (database versions not stated): TOPMed 0.00001.

Submission:

Labcorp Genetics (formerly Invitae), Labcorp
Classification: Likely pathogenic for Renal carnitine transport defect. Last evaluated: 2024-04-08. Review status: criteria provided, single submitter. Criteria: Invitae Variant Classification Sherloc (09022015). Collection method: clinical testing. Allele origin: germline.
Comment: This sequence change replaces leucine, which is neutral and non-polar, with arginine, which is basic and polar, at codon 263 of the SLC22A5 protein (p.Leu263Arg). This variant is not present in population databases (gnomAD no frequency). This missense change has been observed in individual(s) with primary carnitine deficiency (Invtiae). ClinVar contains an entry for this variant (Variation ID: 1035703). Advanced modeling of protein sequence and biophysical properties (such as structural, functional, and spatial information, amino acid conservation, physicochemical variation, residue mobility, and thermodynamic stability) performed at Invitae indicates that this missense variant is expected to disrupt SLC22A5 protein function with a positive predictive value of 95%. In summary, the currently available evidence indicates that the variant is pathogenic, but additional data are needed to prove that conclusively. Therefore, this variant has been classified as Likely Pathogenic.

NM_003060.4(SLC22A5):c.788T>G (p.Leu263Arg)

Gene: SLC22A5 (solute carrier family 22 member 5; plus strand). Cytogenetic location: 5q31.1.
Variant type: single nucleotide variant.
Coding change: c.788T>G on transcript NM_003060.4 (MANE Select); coding-DNA position 788, T replaced by G.
Protein change: p.Leu263Arg; replaces leucine 263 with arginine.
Molecular consequence: missense variant.
Genome position (GRCh38, 1-based): chr5:132,385,463, T>G. VCF-style: chr5-132385463-T-G. GRCh37 (hg19) VCF-style: chr5-131721155-T-G.
Other names: c.860T>G, p.Leu287Arg (NM_001308122.2); short protein forms L287R, L263R.
Identifiers: ClinVar variation 1035703 (VCV001035703.8), dbSNP rs1400244280, ClinGen allele CA360805213.